The following is an entry in ClinVar:

ClinVar aggregate classification (germline): Uncertain significance. Review status: criteria provided, multiple submitters, no conflicts (2 of 4 stars). 2 submissions from 2 submitters: Uncertain significance (2). Last evaluated 2025-03-10.

Conditions:
Inborn genetic diseases. Identifiers: MedGen C0950123, MeSH D030342.
Fanconi anemia (FA). Also called: Fanconi's anemia. Identifiers: Orphanet 84, MedGen C0015625, MeSH D005199, MONDO:0019391.

Allele frequency attached by ClinVar (database versions not stated): gnomAD exomes below 0.00001; ExAC 0.00001; gnomAD 0.00001; TOPMed 0.00001; ESP Exome Variant Server 0.00008.
gnomAD v4.1: 3 of 1,613,740 alleles (0.00019%); highest among the groups gnomAD compares: Non-Finnish European, 0.00025%; no homozygotes.

Submissions (2):

Ambry Genetics
Classification: Uncertain significance for Inborn genetic diseases. Last evaluated: 2025-03-10. Review status: criteria provided, single submitter. Criteria: Ambry Variant Classification Scheme 2023. Collection method: clinical testing. Allele origin: germline.
Comment: The p.E1018D variant (also known as c.3054G>T), located in coding exon 14 of the FANCM gene, results from a G to T substitution at nucleotide position 3054. The glutamic acid at codon 1018 is replaced by aspartic acid, an amino acid with highly similar properties. This amino acid position is conserved. In addition, this alteration is predicted to be tolerated by in silico analysis. Based on the available evidence, the clinical significance of this variant remains unclear.

Labcorp Genetics (formerly Invitae), Labcorp
Classification: Uncertain significance for Fanconi anemia. Last evaluated: 2022-08-20. Review status: criteria provided, single submitter. Criteria: Invitae Variant Classification Sherloc (09022015). Collection method: clinical testing. Allele origin: germline.
Comment: In summary, the available evidence is currently insufficient to determine the role of this variant in disease. Therefore, it has been classified as a Variant of Uncertain Significance. Algorithms developed to predict the effect of missense changes on protein structure and function output the following: SIFT: "Tolerated"; PolyPhen-2: "Benign"; Align-GVGD: "Class C0". The aspartic acid amino acid residue is found in multiple mammalian species, which suggests that this missense change does not adversely affect protein function. This variant has not been reported in the literature in individuals affected with FANCM-related conditions. This variant is present in population databases (rs139432120, gnomAD 0.002%). This sequence change replaces glutamic acid, which is acidic and polar, with aspartic acid, which is acidic and polar, at codon 1018 of the FANCM protein (p.Glu1018Asp).

NM_020937.4(FANCM):c.3054G>T (p.Glu1018Asp)

Gene: FANCM (FA complementation group M; plus strand). Cytogenetic location: 14q21.2.
Variant type: single nucleotide variant.
Coding change: c.3054G>T on transcript NM_020937.4 (MANE Select); coding-DNA position 3054, G replaced by T.
Protein change: p.Glu1018Asp; replaces glutamic acid 1018 with aspartic acid.
Molecular consequence: missense variant.
Genome position (GRCh38, 1-based): chr14:45,175,808, G>T. VCF-style: chr14-45175808-G-T. GRCh37 (hg19) VCF-style: chr14-45645011-G-T.
Other names: c.2976G>T, p.Glu992Asp (NM_001308133.2); short protein forms E1018D, E992D.
Identifiers: ClinVar variation 2148454 (VCV002148454.5), dbSNP rs139432120, ClinGen allele CA7169456.